The following is an entry in ClinVar:

ClinVar aggregate classification (germline): Likely benign. Review status: criteria provided, single submitter (1 of 4 stars). 2 submissions from 2 submitters: Likely benign (1). 1 of the submissions does not count toward it. Last evaluated 2022-01-31.

Conditions:
Inborn genetic diseases. Identifiers: MedGen C0950123, MeSH D030342.
SPEN-related disorder. Also called: SPEN-related condition.

Allele frequency attached by ClinVar (database versions not stated): gnomAD exomes 0.00002; gnomAD 0.00005; ExAC 0.00006; TOPMed 0.00009; ESP Exome Variant Server 0.00015.
gnomAD v4.1: 47 of 1,613,984 alleles (0.0029%); highest among the groups gnomAD compares: East Asian, 0.031%; no homozygotes.

Submissions (2):

Ambry Genetics
Classification: Likely benign for Inborn genetic diseases. Last evaluated: 2022-01-31. Review status: criteria provided, single submitter. Criteria: Ambry Variant Classification Scheme 2023. Collection method: clinical testing. Allele origin: germline.

PreventionGenetics, part of Exact Sciences
Classification: Likely benign for SPEN-related condition. Last evaluated: 2023-04-27. Review status: no assertion criteria provided. Collection method: clinical testing. Allele origin: germline. Not counted in ClinVar's aggregate classification.
Comment: This variant is classified as likely benign based on ACMG/AMP sequence variant interpretation guidelines (Richards et al. 2015 PMID: 25741868, with internal and published modifications).

NM_015001.3(SPEN):c.10367C>T (p.Pro3456Leu)

Gene: SPEN (spen family transcriptional repressor; plus strand). Cytogenetic location: 1p36.13.
Variant type: single nucleotide variant.
Coding change: c.10367C>T on transcript NM_015001.3 (MANE Select); coding-DNA position 10367, C replaced by T.
Protein change: p.Pro3456Leu; replaces proline 3456 with leucine.
Molecular consequence: missense variant.
Genome position (GRCh38, 1-based): chr1:15,937,503, C>T. VCF-style: chr1-15937503-C-T. GRCh37 (hg19) VCF-style: chr1-16263998-C-T.
Other names: short protein forms P3456L.
Identifiers: ClinVar variation 3054691 (VCV003054691.3), dbSNP rs145947516, ClinGen allele CA620711.